The following is an entry in ClinVar:

ClinVar aggregate classification (germline): Uncertain significance (1 of 4 stars; one submission).

Submission:

CeGaT Center for Human Genetics Tuebingen
Classification: Uncertain significance. Last evaluated: 2022-12-01. Review status: criteria provided, single submitter. Criteria: CeGaT Center For Human Genetics Tuebingen Variant Classification Criteria Version 2. Collection method: clinical testing. Allele origin: germline. Affected: yes. Observed: 1 variant allele.
Comment: WDR77: PM2

NM_024102.4(WDR77):c.226G>C (p.Gly76Arg)

Gene: WDR77 (WD repeat domain 77; minus strand). Cytogenetic location: 1p13.2.
Variant type: single nucleotide variant.
Coding change: c.226G>C on transcript NM_024102.4 (MANE Select); coding-DNA position 226, G replaced by C.
Protein change: p.Gly76Arg; replaces glycine 76 with arginine.
Molecular consequence: missense variant. On other transcripts: non-coding transcript variant (1).
Genome position (GRCh38, 1-based): chr1:111,448,694, C>G on the plus strand (G>C on the coding strand, the complement: WDR77 is on the minus strand). VCF-style: chr1-111448694-C-G. GRCh37 (hg19) VCF-style: chr1-111991316-C-G.
Other names: c.226G>C, p.Gly76Arg (NM_001317062.2, NM_001317063.2, NM_001317064.2); short protein forms G76R.
Identifiers: ClinVar variation 2638994 (VCV002638994.24), dbSNP rs1054221265, ClinGen allele CA341630261.
Genomic context (GRCh38, chr1:111,448,694, plus strand): 5'-CTAGAATACCTCTCTCCCCAACCCAAGTGAGGTCAGCCACTCCAGCCTCCGTTTGGACTC[C>G]GGCGGAGCAGAAGCCTTCGTTGGGGGCGGCACAGGGGTCCTTAAAAAGCCAGAGGGAGCC-3'
Protein context (NP_077007.1, residues 66-86): AAPNEGFCSA[Gly76Arg]VQTEAGVADL